The following is an entry in ClinVar:

ClinVar aggregate classification (germline): Uncertain significance (1 of 4 stars; one submission).

Allele frequency attached by ClinVar (database versions not stated): gnomAD exomes below 0.00001 and 0.00001; gnomAD 0.00001; ExAC 0.00002; 1000 Genomes Project 30x 0.00016; 1000 Genomes Project 0.00020.
gnomAD v4.1: 6 of 1,573,302 alleles (0.00038%); highest among the groups gnomAD compares: African/African-American, 0.0027%; no homozygotes.

Submission:

Labcorp Genetics (formerly Invitae), Labcorp
Classification: Uncertain significance. Last evaluated: 2024-12-16. Review status: criteria provided, single submitter. Criteria: Invitae Variant Classification Sherloc (09022015). Collection method: clinical testing. Allele origin: germline.
Comment: This sequence change replaces tyrosine, which is neutral and polar, with cysteine, which is neutral and slightly polar, at codon 269 of the IFNAR2 protein (p.Tyr269Cys). This variant is present in population databases (rs201848104, gnomAD 0.007%). This variant has not been reported in the literature in individuals affected with IFNAR2-related conditions. ClinVar contains an entry for this variant (Variation ID: 1366770). An algorithm developed to predict the effect of missense changes on protein structure and function outputs the following: PolyPhen-2: "Benign". The cysteine amino acid residue is found in multiple mammalian species, which suggests that this missense change does not adversely affect protein function. In summary, the available evidence is currently insufficient to determine the role of this variant in disease. Therefore, it has been classified as a Variant of Uncertain Significance.

NM_001289125.3(IFNAR2):c.806A>G (p.Tyr269Cys)

Genes: IFNAR2 (interferon alpha and beta receptor subunit 2; plus strand), IFNAR2-IL10RB (IFNAR2-IL10RB readthrough; plus strand). Cytogenetic location: 21q22.11.
Variant type: single nucleotide variant.
Coding change: c.806A>G on transcript NM_001289125.3 (MANE Select); coding-DNA position 806, A replaced by G.
Protein change: p.Tyr269Cys; replaces tyrosine 269 with cysteine.
Molecular consequence: missense variant. On other transcripts: intron variant (3).
Genome position (GRCh38, 1-based): chr21:33,260,693, A>G. VCF-style: chr21-33260693-A-G. GRCh37 (hg19) VCF-style: chr21-34632998-A-G.
Other names: c.806A>G, p.Tyr269Cys (NM_000874.5, NM_001385055.1, NM_207584.3 and 1 more transcripts); c.710-2100A>G (NM_001289128.2, NM_001289126.2); c.710-1868A>G (NM_001385054.1); short protein forms Y269C.
Identifiers: ClinVar variation 1366770 (VCV001366770.6), dbSNP rs201848104, ClinGen allele CA10005793.